The following is an entry in ClinVar:

NM_024407.5(NDUFS7):c.468A>G (p.Gly156=)

Gene: NDUFS7 (NADH:ubiquinone oxidoreductase core subunit S7; plus strand). Cytogenetic location: 19p13.3.
Variant type: single nucleotide variant.
Coding change: c.468A>G on transcript NM_024407.5 (MANE Select); coding-DNA position 468, A replaced by G.
Protein change: p.Gly156=; no amino-acid change (glycine 156 retained).
Molecular consequence: synonymous variant.
Genome position (GRCh38, 1-based): chr19:1,393,254, A>G. VCF-style: chr19-1393254-A-G. GRCh37 (hg19) VCF-style: chr19-1393253-A-G.
Other names: c.468A>G, p.Gly156= (NM_001363602.2).
Identifiers: ClinVar variation 4872615 (VCV004872615.3).

ClinVar aggregate classification (germline): Likely benign. Review status: criteria provided, multiple submitters, no conflicts (2 of 4 stars). 2 submissions from 2 submitters: Likely benign (2). Last evaluated 2026-04-01.

Submissions (2):

CeGaT Center for Human Genetics Tuebingen
Classification: Likely benign. Last evaluated: 2026-04-01. Review status: criteria provided, single submitter. Criteria: CeGaT Center For Human Genetics Tuebingen Variant Classification Criteria Version 2. Collection method: clinical testing. Allele origin: germline. Affected: yes. Observed: 1 variant allele.
Comment: NDUFS7: BP4, BP7

Blueprint Genetics
Classification: Likely benign. Last evaluated: 2024-08-20. Review status: criteria provided, single submitter. Criteria: ACMG Guidelines, 2015. Collection method: clinical testing. Allele origin: germline.